The following is an entry in ClinVar:

ClinVar aggregate classification (germline): Uncertain significance (1 of 4 stars; one submission).

Conditions:
MAP1A-related disorder. Also called: MAP1A-related condition.

Submission:

PreventionGenetics, part of Exact Sciences
Classification: Uncertain significance for MAP1A-related condition. Last evaluated: 2025-12-27. Review status: criteria provided, single submitter. Criteria: ACMG Guidelines, 2015. Collection method: clinical testing. Allele origin: germline.
Comment: The MAP1A c.7039C>G variant is predicted to result in the amino acid substitution p.Pro2347Ala. To our knowledge, this variant has not been reported in the literature or in a large population database (gnomAD), indicating this variant is rare. At this time, the clinical significance of this variant is uncertain due to the absence of conclusive functional and genetic evidence.

NM_002373.6(MAP1A):c.7039C>G (p.Pro2347Ala)

Gene: MAP1A (microtubule associated protein 1A; plus strand). Cytogenetic location: 15q15.3.
Variant type: single nucleotide variant.
Coding change: c.7039C>G on transcript NM_002373.6 (MANE Select); coding-DNA position 7039, C replaced by G.
Protein change: p.Pro2347Ala; replaces proline 2347 with alanine.
Molecular consequence: missense variant.
Genome position (GRCh38, 1-based): chr15:43,528,512, C>G. VCF-style: chr15-43528512-C-G. GRCh37 (hg19) VCF-style: chr15-43820710-C-G.
Other names: c.7753C>G, p.Pro2585Ala (NM_001411089.1); short protein forms P2347A, P2585A.
Identifiers: ClinVar variation 4982292 (VCV004982292.1).